The following is an entry in ClinVar:

ClinVar aggregate classification (germline): Conflicting classifications of pathogenicity. Review status: criteria provided, conflicting classifications (1 of 4 stars). 2 submissions from 2 submitters: Uncertain significance (1); Likely benign (1). Last evaluated 2024-02-02.

Conditions:
Inborn genetic diseases. Identifiers: MedGen C0950123, MeSH D030342.

Allele frequency attached by ClinVar (database versions not stated): gnomAD exomes 0.00004; ExAC 0.00007; gnomAD 0.00017 and 0.00020; TOPMed 0.00023; ESP Exome Variant Server 0.00031.

Submissions (2):

Labcorp Genetics (formerly Invitae), Labcorp
Classification: Uncertain significance. Last evaluated: 2024-02-02. Review status: criteria provided, single submitter. Criteria: Invitae Variant Classification Sherloc (09022015). Collection method: clinical testing. Allele origin: germline.
Comment: This sequence change replaces methionine, which is neutral and non-polar, with valine, which is neutral and non-polar, at codon 1086 of the SON protein (p.Met1086Val). This variant is present in population databases (rs199846767, gnomAD 0.07%), and has an allele count higher than expected for a pathogenic variant. This variant has not been reported in the literature in individuals affected with SON-related conditions. ClinVar contains an entry for this variant (Variation ID: 1518666). An algorithm developed to predict the effect of missense changes on protein structure and function (PolyPhen-2) suggests that this variant is likely to be disruptive. In summary, the available evidence is currently insufficient to determine the role of this variant in disease. Therefore, it has been classified as a Variant of Uncertain Significance.

Ambry Genetics
Classification: Likely benign for Inborn genetic diseases. Last evaluated: 2021-07-09. Review status: criteria provided, single submitter. Criteria: Ambry Variant Classification Scheme 2023. Collection method: clinical testing. Allele origin: germline.

NM_138927.4(SON):c.3256A>G (p.Met1086Val)

Gene: SON (SON DNA and RNA binding protein; plus strand). Cytogenetic location: 21q22.11.
Variant type: single nucleotide variant.
Coding change: c.3256A>G on transcript NM_138927.4 (MANE Select); coding-DNA position 3256, A replaced by G.
Protein change: p.Met1086Val; replaces methionine 1086 with valine.
Molecular consequence: missense variant. On other transcripts: non-coding transcript variant (1), intron variant (1).
Genome position (GRCh38, 1-based): chr21:33,552,487, A>G. VCF-style: chr21-33552487-A-G. GRCh37 (hg19) VCF-style: chr21-34924793-A-G.
Other names: c.3256A>G, p.Met1086Val (NM_001291411.2, NM_032195.3); c.245-4669A>G (NM_001291412.3); c.3256A>G (NM_138927.1); short protein forms M1086V.
Identifiers: ClinVar variation 1518666 (VCV001518666.9), dbSNP rs199846767, ClinGen allele CA10009245.